The following is an entry in ClinVar:

NM_004646.4(NPHS1):c.2203G>C (p.Asp735His)

Gene: NPHS1 (NPHS1 adhesion molecule, nephrin; minus strand). Cytogenetic location: 19q13.12.
Variant type: single nucleotide variant.
Coding change: c.2203G>C on transcript NM_004646.4 (MANE Select); coding-DNA position 2203, G replaced by C.
Protein change: p.Asp735His; replaces aspartic acid 735 with histidine.
Molecular consequence: missense variant.
Genome position (GRCh38, 1-based): chr19:35,844,112, C>G on the plus strand (G>C on the coding strand, the complement: NPHS1 is on the minus strand). VCF-style: chr19-35844112-C-G. GRCh37 (hg19) VCF-style: chr19-36335014-C-G.
Other names: short protein forms D735H.
Identifiers: ClinVar variation 4721038 (VCV004721038.1).
Genomic context (GRCh38, chr19:35,844,112, plus strand): 5'-ATGGGCAAGGTTCCTTGGGTGGGTGTGGTTTCCATGGTGGGCGGGGCTCACAGTGCACGT[C>G]CAGCCGCAGCCGCGCTTCCGCGGTGCCCTCAGAGTTCTGGCAGTGCAGCTGATAGAGGCC-3'
Protein context (NP_004637.1, residues 725-745): EGTAEARLRL[Asp735His]VHYAPTIRAL

ClinVar aggregate classification (germline): Uncertain significance (1 of 4 stars; one submission).

Submission:

Labcorp Genetics (formerly Invitae), Labcorp
Classification: Uncertain significance. Last evaluated: 2025-06-07. Review status: criteria provided, single submitter. Criteria: Invitae Variant Classification Sherloc (09022015). Collection method: clinical testing. Allele origin: germline.
Comment: This sequence change replaces aspartic acid, which is acidic and polar, with histidine, which is basic and polar, at codon 735 of the NPHS1 protein (p.Asp735His). This variant is not present in population databases (gnomAD no frequency). This variant has not been reported in the literature in individuals affected with NPHS1-related conditions. An algorithm developed to predict the effect of missense changes on protein structure and function outputs the following: PolyPhen-2: "Benign". The histidine amino acid residue is found in multiple mammalian species, which suggests that this missense change does not adversely affect protein function. In summary, the available evidence is currently insufficient to determine the role of this variant in disease. Therefore, it has been classified as a Variant of Uncertain Significance.